The following is an entry in ClinVar:

NM_003816.3(ADAM9):c.853G>T (p.Val285Leu)

Gene: ADAM9 (ADAM metallopeptidase domain 9; plus strand). Cytogenetic location: 8p11.22.
Variant type: single nucleotide variant.
Coding change: c.853G>T on transcript NM_003816.3 (MANE Select); coding-DNA position 853, G replaced by T.
Protein change: p.Val285Leu; replaces valine 285 with leucine.
Molecular consequence: missense variant. On other transcripts: non-coding transcript variant (3).
Genome position (GRCh38, 1-based): chr8:39,023,264, G>T. VCF-style: chr8-39023264-G-T. GRCh37 (hg19) VCF-style: chr8-38880783-G-T.
Other names: short protein forms V285L.
Identifiers: ClinVar variation 1923557 (VCV001923557.5), dbSNP rs778356738, ClinGen allele CA4721460.

ClinVar aggregate classification (germline): Uncertain significance (1 of 4 stars; one submission).

Allele frequency attached by ClinVar (database versions not stated): ExAC 0.00001.
gnomAD v4.1: 1 of 1,613,604 alleles (0.000062%); highest among the groups gnomAD compares: Admixed American, 0.0017%; no homozygotes.

Submission:

Labcorp Genetics (formerly Invitae), Labcorp
Classification: Uncertain significance. Last evaluated: 2022-10-17. Review status: criteria provided, single submitter. Criteria: Invitae Variant Classification Sherloc (09022015). Collection method: clinical testing. Allele origin: germline.
Comment: Advanced modeling of protein sequence and biophysical properties (such as structural, functional, and spatial information, amino acid conservation, physicochemical variation, residue mobility, and thermodynamic stability) performed at Invitae indicates that this missense variant is not expected to disrupt ADAM9 protein function. This sequence change replaces valine, which is neutral and non-polar, with leucine, which is neutral and non-polar, at codon 285 of the ADAM9 protein (p.Val285Leu). This variant is present in population databases (rs778356738, gnomAD 0.003%). This variant has not been reported in the literature in individuals affected with ADAM9-related conditions. In summary, the available evidence is currently insufficient to determine the role of this variant in disease. Therefore, it has been classified as a Variant of Uncertain Significance.